The following is an entry in ClinVar:

NM_139076.3(ABRAXAS1):c.1047A>C (p.Leu349Phe)

Gene: ABRAXAS1 (abraxas 1, BRCA1 A complex subunit; minus strand). Cytogenetic location: 4q21.23.
Variant type: single nucleotide variant.
Coding change: c.1047A>C on transcript NM_139076.3 (MANE Select); coding-DNA position 1047, A replaced by C.
Protein change: p.Leu349Phe; replaces leucine 349 with phenylalanine.
Molecular consequence: missense variant.
Genome position (GRCh38, 1-based): chr4:83,462,652, T>G on the plus strand (A>C on the coding strand, the complement: ABRAXAS1 is on the minus strand). VCF-style: chr4-83462652-T-G. GRCh37 (hg19) VCF-style: chr4-84383805-T-G.
Other names: c.720A>C, p.Leu240Phe (NM_001345962.2); short protein forms L240F, L349F.
Identifiers: ClinVar variation 2449152 (VCV002449152.2), dbSNP rs2529418422, ClinGen allele CA357255378.

ClinVar aggregate classification (germline): Uncertain significance (1 of 4 stars; one submission).

Submission:

Ambry Genetics
Classification: Uncertain significance. Last evaluated: 2023-02-18. Review status: criteria provided, single submitter. Criteria: Ambry Variant Classification Scheme 2023. Collection method: clinical testing. Allele origin: germline.
Comment: The p.L349F variant (also known as c.1047A>C), located in coding exon 9 of the FAM175A gene, results from an A to C substitution at nucleotide position 1047. The leucine at codon 349 is replaced by phenylalanine, an amino acid with highly similar properties. This amino acid position is conserved. In addition, this alteration is predicted to be tolerated by in silico analysis. Since supporting evidence is limited at this time, the clinical significance of this alteration remains unclear.